The following is an entry in ClinVar:

ClinVar aggregate classification (germline): Pathogenic. Review status: criteria provided, multiple submitters, no conflicts (2 of 4 stars). 2 submissions from 2 submitters: Pathogenic (2). Last evaluated 2025-08-10.

Conditions:
Succinate-semialdehyde dehydrogenase deficiency (SSADHD). Also called: GABA METABOLIC DEFECT; 4-HYDROXYBUTYRIC ACIDURIA; Succinic Semialdehyde Dehydrogenase Deficiency; SSADH DEFICIENCY. Identifiers: Orphanet 22, MedGen C0268631, MONDO:0010083, OMIM 271980.

Submissions (2):

Labcorp Genetics (formerly Invitae), Labcorp
Classification: Pathogenic for Succinate-semialdehyde dehydrogenase deficiency. Last evaluated: 2025-08-10. Review status: criteria provided, single submitter. Criteria: Invitae Variant Classification Sherloc (09022015). Collection method: clinical testing. Allele origin: germline.
Comment: This sequence change creates a premature translational stop signal (p.Trp127Valfs*8) in the ALDH5A1 gene. It is expected to result in an absent or disrupted protein product. Loss-of-function variants in ALDH5A1 are known to be pathogenic (PMID: 14635103). This variant is not present in population databases (gnomAD no frequency). This variant has not been reported in the literature in individuals affected with ALDH5A1-related conditions. ClinVar contains an entry for this variant (Variation ID: 1429807). For these reasons, this variant has been classified as Pathogenic.

GeneDx
Classification: Pathogenic. Last evaluated: 2024-11-08. Review status: criteria provided, single submitter. Criteria: GeneDx Variant Classification Process June 2021. Collection method: clinical testing. Allele origin: germline. Affected: yes.
Comment: Frameshift variant predicted to result in protein truncation or nonsense mediated decay in a gene for which loss-of-function is a known mechanism of disease; Not observed at significant frequency in large population cohorts (gnomAD); Has not been previously published as pathogenic or benign to our knowledge; This variant is associated with the following publications: (PMID: 27535533)

Literature cited by the submitters: PubMed 14635103 (cited by Labcorp Genetics (formerly Invitae), Labcorp).

NM_001080.3(ALDH5A1):c.379_380del (p.Trp127fs)

Gene: ALDH5A1 (aldehyde dehydrogenase 5 family member A1; plus strand). Cytogenetic location: 6p22.3.
Variant type: Deletion.
Coding change: c.379_380del on transcript NM_001080.3 (MANE Select); coding-DNA positions 379 to 380, 2 bases deleted (TG; older notation c.379_380delTG).
Protein change: p.Trp127fs; shifts the reading frame from tryptophan 127.
Molecular consequence: frameshift variant.
Genome position (GRCh38, 1-based): chr6:24,502,547-24,502,548, TG deleted; deleting any 2 consecutive bases within chr6:24,502,546-24,502,548 gives the same sequence; the c. name uses the placement nearest the transcript's 3' end. VCF-style (leftmost placement, unchanged base first): chr6-24502545-AGT-A. GRCh37 (hg19) VCF-style: chr6-24502773-AGT-A.
Other names: c.379_380del, p.Trp127fs (NM_001368954.1, NM_170740.1); short protein forms W127fs.
Identifiers: ClinVar variation 1429807 (VCV001429807.7), dbSNP rs2127382173, ClinGen allele CA2573140145.